The following is an entry in ClinVar:

ClinVar aggregate classification (germline): Uncertain significance (1 of 4 stars; one submission).

Conditions:
Autosomal dominant polycystic kidney disease. Identifiers: Orphanet 730, MedGen C0085413, MONDO:0004691.

Submission:

Labcorp Genetics (formerly Invitae), Labcorp
Classification: Uncertain significance for Autosomal dominant polycystic kidney disease. Last evaluated: 2023-05-23. Review status: criteria provided, single submitter. Criteria: Invitae Variant Classification Sherloc (09022015). Collection method: clinical testing. Allele origin: germline.
Comment: This variant is not present in population databases (gnomAD no frequency). This sequence change replaces serine, which is neutral and polar, with threonine, which is neutral and polar, at codon 858 of the PKD2 protein (p.Ser858Thr). This variant has not been reported in the literature in individuals affected with PKD2-related conditions. Advanced modeling of protein sequence and biophysical properties (such as structural, functional, and spatial information, amino acid conservation, physicochemical variation, residue mobility, and thermodynamic stability) performed at Invitae indicates that this missense variant is not expected to disrupt PKD2 protein function. In summary, the available evidence is currently insufficient to determine the role of this variant in disease. Therefore, it has been classified as a Variant of Uncertain Significance.

NM_000297.4(PKD2):c.2572T>A (p.Ser858Thr)

Gene: PKD2 (polycystin 2, transient receptor potential cation channel; plus strand). Cytogenetic location: 4q22.1.
Variant type: single nucleotide variant.
Coding change: c.2572T>A on transcript NM_000297.4 (MANE Select); coding-DNA position 2572, T replaced by A.
Protein change: p.Ser858Thr; replaces serine 858 with threonine.
Molecular consequence: missense variant. On other transcripts: non-coding transcript variant (1).
Genome position (GRCh38, 1-based): chr4:88,074,861, T>A. VCF-style: chr4-88074861-T-A. GRCh37 (hg19) VCF-style: chr4-88996013-T-A.
Other names: short protein forms S858T.
Identifiers: ClinVar variation 2692838 (VCV002692838.3), dbSNP rs2476008987, ClinGen allele CA357627593.
Genomic context (GRCh38, chr4:88,074,861, plus strand): 5'-TTTCCTTGCAGCCTGGTGAGACGAGTGGACCGGATGGAGCATTCCATCGGCAGCATAGTG[T>A]CCAAGATTGACGCCGTGATCGTGAAGCTAGAGATTATGGAGCGAGCCAAACTGAAGAGGA-3'
Protein context (NP_000288.1, residues 848-868): RMEHSIGSIV[Ser858Thr]KIDAVIVKLE